The following is an entry in ClinVar:

ClinVar aggregate classification (germline): Uncertain significance (1 of 4 stars; one submission).

Conditions:
Charcot-Marie-Tooth disease dominant intermediate E. Also called: CHARCOT-MARIE-TOOTH NEUROPATHY WITH FOCAL SEGMENTAL GLOMERULONEPHRITIS. Identifiers: Orphanet 93114, MedGen C4302667, MONDO:0013758, OMIM 614455.
Focal segmental glomerulosclerosis 5 (FSGS5). Identifiers: Orphanet 656, MedGen C2750475, MONDO:0013191, OMIM 613237.

Submission:

Labcorp Genetics (formerly Invitae), Labcorp
Classification: Uncertain significance for Charcot-Marie-Tooth disease dominant intermediate E; Focal segmental glomerulosclerosis 5. Last evaluated: 2023-05-10. Review status: criteria provided, single submitter. Criteria: Invitae Variant Classification Sherloc (09022015). Collection method: clinical testing. Allele origin: germline.
Comment: In summary, the available evidence is currently insufficient to determine the role of this variant in disease. Therefore, it has been classified as a Variant of Uncertain Significance. Advanced modeling of protein sequence and biophysical properties (such as structural, functional, and spatial information, amino acid conservation, physicochemical variation, residue mobility, and thermodynamic stability) performed at Invitae indicates that this missense variant is not expected to disrupt INF2 protein function. ClinVar contains an entry for this variant (Variation ID: 936051). This variant has not been reported in the literature in individuals affected with INF2-related conditions. This variant is not present in population databases (gnomAD no frequency). This sequence change replaces arginine, which is basic and polar, with glycine, which is neutral and non-polar, at codon 369 of the INF2 protein (p.Arg369Gly).

NM_022489.4(INF2):c.1105A>G (p.Arg369Gly)

Gene: INF2 (inverted formin 2; plus strand). Cytogenetic location: 14q32.33.
Variant type: single nucleotide variant.
Coding change: c.1105A>G on transcript NM_022489.4 (MANE Select); coding-DNA position 1105, A replaced by G.
Protein change: p.Arg369Gly; replaces arginine 369 with glycine.
Molecular consequence: missense variant.
Genome position (GRCh38, 1-based): chr14:104,707,372, A>G. VCF-style: chr14-104707372-A-G. GRCh37 (hg19) VCF-style: chr14-105173709-A-G.
Other names: c.1105A>G, p.Arg369Gly (NM_001031714.4); short protein forms R369G.
Identifiers: ClinVar variation 936051 (VCV000936051.9), dbSNP rs1889828741, ClinGen allele CA391215865.